The following is an entry in ClinVar:

ClinVar aggregate classification (germline): Uncertain significance. Review status: criteria provided, multiple submitters, no conflicts (2 of 4 stars). 2 submissions from 2 submitters: Uncertain significance (2). Last evaluated 2025-10-23.

Conditions:
Congenital disorder of glycosylation type Ir (CDG1R). Also called: DDOST-congenital disorder of glycosylation. Identifiers: Orphanet 300536, MedGen C3281084, MONDO:0013789, OMIM 614507.

Allele frequency attached by ClinVar (database versions not stated): gnomAD 0.00004; TOPMed 0.00005; ExAC 0.00008; 1000 Genomes Project 30x 0.00016; 1000 Genomes Project 0.00020.
gnomAD v4.1: 98 of 1,614,024 alleles (0.0061%); highest among the groups gnomAD compares: Middle Eastern, 0.083%; 1 homozygote.

Submissions (2):

Labcorp Genetics (formerly Invitae), Labcorp
Classification: Uncertain significance for Congenital disorder of glycosylation type Ir. Last evaluated: 2025-10-23. Review status: criteria provided, single submitter. Criteria: Invitae Variant Classification Sherloc (09022015). Collection method: clinical testing. Allele origin: germline.
Comment: This sequence change replaces proline, which is neutral and non-polar, with leucine, which is neutral and non-polar, at codon 45 of the DDOST protein (p.Pro45Leu). This variant is present in population databases (rs528257664, gnomAD 0.1%), and has an allele count higher than expected for a pathogenic variant. This variant has not been reported in the literature in individuals affected with DDOST-related conditions. ClinVar contains an entry for this variant (Variation ID: 2146675). Invitae Evidence Modeling of protein sequence and biophysical properties (such as structural, functional, and spatial information, amino acid conservation, physicochemical variation, residue mobility, and thermodynamic stability) indicates that this missense variant is not expected to disrupt DDOST protein function with a negative predictive value of 80%. In summary, the available evidence is currently insufficient to determine the role of this variant in disease. Therefore, it has been classified as a Variant of Uncertain Significance.

Ambry Genetics
Classification: Uncertain significance. Last evaluated: 2021-10-26. Review status: criteria provided, single submitter. Criteria: Ambry Variant Classification Scheme 2023. Collection method: clinical testing. Allele origin: germline.

NM_005216.5(DDOST):c.83C>T (p.Pro28Leu)

Gene: DDOST (dolichyl-diphosphooligosaccharide--protein glycosyltransferase non-catalytic subunit; minus strand). Cytogenetic location: 1p36.12.
Variant type: single nucleotide variant.
Coding change: c.83C>T on transcript NM_005216.5 (MANE Select); coding-DNA position 83, C replaced by T.
Protein change: p.Pro28Leu; replaces proline 28 with leucine.
Molecular consequence: missense variant.
Genome position (GRCh38, 1-based): chr1:20,661,268, G>A on the plus strand (C>T on the coding strand, the complement: DDOST is on the minus strand). VCF-style: chr1-20661268-G-A. GRCh37 (hg19) VCF-style: chr1-20987761-G-A.
Other names: c.134C>T (NM_005216.4); short protein forms P28L.
Identifiers: ClinVar variation 2146675 (VCV002146675.5), dbSNP rs528257664, ClinGen allele CA661369.